The following is an entry in ClinVar:

ClinVar aggregate classification (germline): Uncertain significance (1 of 4 stars; one submission).

Submission:

Women's Health and Genetics/Laboratory Corporation of America, LabCorp
Classification: Uncertain significance. Last evaluated: 2025-10-01. Review status: criteria provided, single submitter. Criteria: LabCorp Variant Classification Summary - May 2015. Collection method: clinical testing. Allele origin: germline.
Comment: Variant summary: IQSEC2 c.-14C>T is located in the untranslated mRNA region upstream of the initiation codon. The variant was absent in 92532 control chromosomes. The available data on variant occurrences in the general population are insufficient to allow any conclusion about variant significance. To our knowledge, no occurrence of c.-14C>T in individuals affected with IQSEC2-related conditions and no experimental evidence demonstrating its impact on protein function have been reported. No submitters have cited clinical-significance assessments for this variant to ClinVar. Based on the evidence outlined above, the variant was classified as uncertain significance.

NM_001111125.3(IQSEC2):c.-14C>T

Gene: IQSEC2 (IQ motif and Sec7 domain ArfGEF 2; minus strand). Cytogenetic location: Xp11.22.
Variant type: single nucleotide variant.
Coding change: c.-14C>T on transcript NM_001111125.3 (MANE Select); 14 bases upstream of the start codon, C replaced by T.
Molecular consequence: 5 prime UTR variant.
Genome position (GRCh38, 1-based): chrX:53,321,137, G>A on the plus strand (C>T on the coding strand, the complement: IQSEC2 is on the minus strand). VCF-style: chrX-53321137-G-A. GRCh37 (hg19) VCF-style: chrX-53350335-G-A.
Other names: c.-14C>T (NM_001410736.1, NM_001441092.1).
Identifiers: ClinVar variation 4687622 (VCV004687622.1).